The following is an entry in ClinVar:

NM_000843.4(GRM6):c.722-2A>C

Gene: GRM6 (glutamate metabotropic receptor 6; minus strand). Cytogenetic location: 5q35.3.
Variant type: single nucleotide variant.
Coding change: c.722-2A>C on transcript NM_000843.4 (MANE Select); the canonical splice acceptor site of the intron before coding-DNA position 722, A replaced by C.
Molecular consequence: splice acceptor variant.
Genome position (GRCh38, 1-based): chr5:178,991,561, T>G on the plus strand (A>C on the coding strand, the complement: GRM6 is on the minus strand). VCF-style: chr5-178991561-T-G. GRCh37 (hg19) VCF-style: chr5-178418562-T-G.
Identifiers: ClinVar variation 2806178 (VCV002806178.4), dbSNP rs1245839329, ClinGen allele CA362433444.

ClinVar aggregate classification (germline): Likely pathogenic. Review status: criteria provided, multiple submitters, no conflicts (2 of 4 stars). 2 submissions from 2 submitters: Likely pathogenic (2). Last evaluated 2024-09-29.

Conditions:
GRM6-related disorders.

Allele frequency attached by ClinVar (database versions not stated): TOPMed 0.00001.

Submissions (2):

Labcorp Genetics (formerly Invitae), Labcorp
Classification: Likely pathogenic. Last evaluated: 2024-09-29. Review status: criteria provided, single submitter. Criteria: Invitae Variant Classification Sherloc (09022015). Collection method: clinical testing. Allele origin: germline.
Comment: This sequence change affects an acceptor splice site in intron 2 of the GRM6 gene. It is expected to disrupt RNA splicing. Variants that disrupt the donor or acceptor splice site typically lead to a loss of protein function (PMID: 16199547), and loss-of-function variants in GRM6 are known to be pathogenic (PMID: 15781871, 16622103, 22008250). This variant is not present in population databases (gnomAD no frequency). Disruption of this splice site has been observed in individual(s) with congenital stationary night blindness (PMID: 22959359). Algorithms developed to predict the effect of sequence changes on RNA splicing suggest that this variant may disrupt the consensus splice site. In summary, the currently available evidence indicates that the variant is pathogenic, but additional data are needed to prove that conclusively. Therefore, this variant has been classified as Likely Pathogenic.

Blueprint Genetics
Classification: Likely pathogenic for GRM6-related disorders. Last evaluated: 2017-11-23. Review status: criteria provided, single submitter. Criteria: ACMG Guidelines, 2015. Collection method: clinical testing. Allele origin: germline. Affected: yes. Observed: 1 variant allele.

Literature cited by the submitters: PubMed 16199547 (cited by Labcorp Genetics (formerly Invitae), Labcorp); PubMed 15781871 (cited by Labcorp Genetics (formerly Invitae), Labcorp); PubMed 16622103 (cited by Labcorp Genetics (formerly Invitae), Labcorp); PubMed 22008250 (cited by Labcorp Genetics (formerly Invitae), Labcorp); PubMed 22959359 (cited by Labcorp Genetics (formerly Invitae), Labcorp).